The following is an entry in ClinVar:

ClinVar aggregate classification (germline): Conflicting classifications of pathogenicity. Review status: criteria provided, conflicting classifications (1 of 4 stars). 3 submissions from 3 submitters: Uncertain significance (1); Likely benign (1). 1 of the submissions does not count toward it. Last evaluated 2026-01-19.

Conditions:
PCK2-related disorder. Also called: PCK2-related condition.
Phosphoenolpyruvate carboxykinase deficiency, mitochondrial. Also called: PCK2 DEFICIENCY; PEPCK2 DEFICIENCY. Identifiers: Orphanet 2880, MedGen C1849821, MONDO:0009864, OMIM 261650.

Allele frequency attached by ClinVar (database versions not stated): 1000 Genomes Project 30x 0.00031; 1000 Genomes Project 0.00040; ExAC 0.00057; gnomAD exomes 0.00080 and 0.00128; TOPMed 0.00099; ESP Exome Variant Server 0.00100; gnomAD 0.00109 and 0.00110.
gnomAD v4.1: 2,021 of 1,609,882 alleles (0.13%); highest among the groups gnomAD compares: Admixed American, 0.22%; 5 homozygotes.

Submissions (9):

Labcorp Genetics (formerly Invitae), Labcorp
Classification: Likely benign. Last evaluated: 2026-01-19. Review status: criteria provided, single submitter. Criteria: Invitae Variant Classification Sherloc (09022015). Collection method: clinical testing. Allele origin: germline.

Baylor Genetics
Classification: Uncertain significance for Phosphoenolpyruvate carboxykinase deficiency, mitochondrial. Review status: criteria provided, single submitter. Criteria: ACMG Guidelines, 2015. Collection method: clinical testing. Allele origin: unknown.

PreventionGenetics, part of Exact Sciences
Classification: Likely benign for PCK2-related condition. Last evaluated: 2024-07-16. Review status: no assertion criteria provided. Collection method: clinical testing. Allele origin: germline. Not counted in ClinVar's aggregate classification.
Comment: This variant is classified as likely benign based on ACMG/AMP sequence variant interpretation guidelines (Richards et al. 2015 PMID: 25741868, with internal and published modifications).

Dr. Peter K. Rogan Lab, Western University
No classification provided (evidence only). Condition: Malignant tumor of urinary bladder. Review status: no classification provided. Collection method: in vitro. Allele origin: not applicable. Functional consequence: skipped exon, retained intron. Not counted in ClinVar's aggregate classification.

Dr. Peter K. Rogan Lab, Western University
No classification provided (evidence only). Condition: Lung cancer. Review status: no classification provided. Collection method: in vitro. Allele origin: not applicable. Functional consequence: skipped exon. Not counted in ClinVar's aggregate classification.

Dr. Peter K. Rogan Lab, Western University
No classification provided (evidence only). Condition: Hepatocellular carcinoma. Review status: no classification provided. Collection method: in vitro. Allele origin: not applicable. Functional consequence: skipped exon, retained intron. Not counted in ClinVar's aggregate classification.

Dr. Peter K. Rogan Lab, Western University
No classification provided (evidence only). Condition: Hepatocellular carcinoma. Review status: no classification provided. Collection method: in vitro. Allele origin: not applicable. Functional consequence: skipped exon, retained intron. Not counted in ClinVar's aggregate classification.

Dr. Peter K. Rogan Lab, Western University
No classification provided (evidence only). Condition: Thymoma. Review status: no classification provided. Collection method: in vitro. Allele origin: not applicable. Functional consequence: skipped exon. Not counted in ClinVar's aggregate classification.

Dr. Peter K. Rogan Lab, Western University
No classification provided (evidence only). Condition: Malignant tumor of esophagus. Review status: no classification provided. Collection method: in vitro. Allele origin: not applicable. Functional consequence: skipped exon, retained intron. Not counted in ClinVar's aggregate classification.

NM_004563.4(PCK2):c.1468+2T>C

Genes: NRL (neural retina leucine zipper; minus strand), PCK2 (phosphoenolpyruvate carboxykinase 2, mitochondrial; plus strand). Cytogenetic location: 14q12.
Variant type: single nucleotide variant.
Coding change: c.1468+2T>C on transcript NM_004563.4 (MANE Select); the canonical splice donor site of the intron after coding-DNA position 1468, T replaced by C.
Molecular consequence: splice donor variant. On other transcripts: intron variant (3).
Genome position (GRCh38, 1-based): chr14:24,103,257, T>C. VCF-style: chr14-24103257-T-C. GRCh37 (hg19) VCF-style: chr14-24572466-T-C.
Other names: c.-28+11465A>G (NM_001354768.3, NM_001354770.2); c.-254+11465A>G (NM_006177.5); c.1066+2T>C (NM_001308054.2, NM_001291556.2); c.1468+2T>C (NM_004563.3).
Identifiers: ClinVar variation 440999 (VCV000440999.13), dbSNP rs148019349, ClinGen allele CA7123501.
Genomic context (GRCh38, chr14:24,103,257, plus strand): 5'-TGGGGTGTTTGTGGGCAGCGCCATGCGCTCTGAGTCCACTGCTGCAGCAGAACACAAAGG[T>C]GAGCACCCTCACCATTCCTCCCTCTCCTGTGTGTGCACACAGCACGTCCTCTCTCCCTTC-3'